The following is an entry in ClinVar:

NM_005560.6(LAMA5):c.2109G>A (p.Thr703=)

Gene: LAMA5 (laminin subunit alpha 5; minus strand). Cytogenetic location: 20q13.33.
Variant type: single nucleotide variant.
Coding change: c.2109G>A on transcript NM_005560.6 (MANE Select); coding-DNA position 2109, G replaced by A.
Protein change: p.Thr703=; no amino-acid change (threonine 703 retained).
Molecular consequence: synonymous variant.
Genome position (GRCh38, 1-based): chr20:62,337,645, C>T on the plus strand (G>A on the coding strand, the complement: LAMA5 is on the minus strand). VCF-style: chr20-62337645-C-T. GRCh37 (hg19) VCF-style: chr20-60912701-C-T.
Other names: c.2109G>A (NM_005560.4).
Identifiers: ClinVar variation 1544434 (VCV001544434.10), dbSNP rs143941434, ClinGen allele CA9943630.

ClinVar aggregate classification (germline): Benign. Review status: criteria provided, single submitter (1 of 4 stars). 2 submissions from 2 submitters: Benign (1). 1 of the submissions does not count toward it. Last evaluated 2025-10-21.

Conditions:
LAMA5-related disorder. Also called: LAMA5-Related Disorders; LAMA5-related condition.

Allele frequency attached by ClinVar (database versions not stated): ESP Exome Variant Server 0.00046; gnomAD 0.00063 and 0.00068; TOPMed 0.00066; gnomAD exomes 0.00101; ExAC 0.00107.
gnomAD v4.1: 1,685 of 1,612,212 alleles (0.1%); highest among the groups gnomAD compares: South Asian, 0.38%; 5 homozygotes.

Submissions (2):

Labcorp Genetics (formerly Invitae), Labcorp
Classification: Benign. Last evaluated: 2025-10-21. Review status: criteria provided, single submitter. Criteria: Invitae Variant Classification Sherloc (09022015). Collection method: clinical testing. Allele origin: germline.

PreventionGenetics, part of Exact Sciences
Classification: Likely benign for LAMA5-related condition. Last evaluated: 2021-11-29. Review status: no assertion criteria provided. Collection method: clinical testing. Allele origin: germline. Not counted in ClinVar's aggregate classification.
Comment: This variant is classified as likely benign based on ACMG/AMP sequence variant interpretation guidelines (Richards et al. 2015 PMID: 25741868, with internal and published modifications).